The following is an entry in ClinVar:

ClinVar aggregate classification (germline): Likely benign. Review status: criteria provided, multiple submitters, no conflicts (2 of 4 stars). 2 submissions from 2 submitters: Likely benign (2). Last evaluated 2018-01-12.

Conditions:
Age related macular degeneration 8. Identifiers: MedGen C3151070, MONDO:0013416, OMIM 613778.

Allele frequency attached by ClinVar (database versions not stated): gnomAD 0.00025 and 0.00035; TOPMed 0.00028; gnomAD exomes 0.00034; 1000 Genomes Project 30x 0.00078; 1000 Genomes Project 0.00080.
gnomAD v4.1: 517 of 1,437,824 alleles (0.036%); highest among the groups gnomAD compares: Middle Eastern, 0.61%; 7 homozygotes.

Submissions (2):

Illumina Laboratory Services, Illumina
Classification: Likely benign for Age related macular degeneration 8. Last evaluated: 2018-01-12. Review status: criteria provided, single submitter. Criteria: ICSL Variant Classification Criteria 13 December 2019. Collection method: clinical testing. Allele origin: germline.
Comment: This variant was observed in the ICSL laboratory as part of a predisposition screen in an ostensibly healthy population. It had not been previously curated by ICSL or reported in the Human Gene Mutation Database (HGMD: prior to June 1st, 2018), and was therefore a candidate for classification through an automated scoring system. Utilizing variant allele frequency, disease prevalence and penetrance estimates, and inheritance mode, an automated score was calculated to assess if this variant is too frequent to cause the disease. Based on the score and internal cut-off values, a variant classified as likely benign is not then subjected to further curation. The score for this variant resulted in a classification of likely benign for this disease.

Breakthrough Genomics
Classification: Likely benign. Review status: criteria provided, single submitter. Criteria: ACMG Guidelines, 2015. Collection method: not provided. Allele origin: germline. Inheritance: Unknown mechanism. Affected: yes.

NM_001099667.3(ARMS2):c.*107T>G

Genes: ARMS2 (age-related maculopathy susceptibility 2; plus strand), HTRA1-AS1 (HTRA1 and ARMS2 antisense RNA 1; minus strand). Cytogenetic location: 10q26.13.
Variant type: single nucleotide variant.
Coding change: c.*107T>G on transcript NM_001099667.3 (MANE Select); 107 bases downstream of the stop codon, T replaced by G.
Molecular consequence: 3 prime UTR variant.
Genome position (GRCh38, 1-based): chr10:122,457,040, T>G. VCF-style: chr10-122457040-T-G. GRCh37 (hg19) VCF-style: chr10-124216556-T-G.
Identifiers: ClinVar variation 879638 (VCV000879638.5), dbSNP rs183542198, ClinGen allele CA214412303.